The following is an entry in ClinVar:

NM_001042475.3(CEP85L):c.1565_1566insGTTGTCTAGA (p.Asp522fs)

Gene: CEP85L (centrosomal protein 85L; minus strand). Cytogenetic location: 6q22.31.
Variant type: Insertion.
Coding change: c.1565_1566insGTTGTCTAGA on transcript NM_001042475.3 (MANE Select); coding-DNA positions 1565 to 1566, GTTGTCTAGA inserted.
Protein change: p.Asp522fs; shifts the reading frame from aspartic acid 522.
Molecular consequence: frameshift variant.
Genome position: GRCh38 VCF-style: chr6-118483730-A-ATCTAGACAAC. GRCh37 (hg19) VCF-style: chr6-118804893-A-ATCTAGACAAC.
Other names: c.1574_1575insGTTGTCTAGA, p.Asp525fs (NM_001178035.2); short protein forms D522fs, D525fs.
Identifiers: ClinVar variation 3905867 (VCV003905867.10).

ClinVar aggregate classification (germline): Uncertain significance (1 of 4 stars; one submission).

Submission:

CeGaT Center for Human Genetics Tuebingen
Classification: Uncertain significance. Last evaluated: 2025-06-01. Review status: criteria provided, single submitter. Criteria: CeGaT Center For Human Genetics Tuebingen Variant Classification Criteria Version 2. Collection method: clinical testing. Allele origin: germline. Affected: yes. Observed: 2 variant alleles.
Comment: CEP85L: PM2, PVS1:Moderate, BS2